The following is an entry in ClinVar:

NM_000254.3(MTR):c.*4823G>A

Gene: MTR (5-methyltetrahydrofolate-homocysteine methyltransferase; plus strand). Cytogenetic location: 1q43.
Variant type: single nucleotide variant.
Coding change: c.*4823G>A on transcript NM_000254.3 (MANE Select); 4823 bases downstream of the stop codon, G replaced by A.
Molecular consequence: 3 prime UTR variant.
Genome position (GRCh38, 1-based): chr1:236,902,467, G>A. VCF-style: chr1-236902467-G-A. GRCh37 (hg19) VCF-style: chr1-237065767-G-A.
Other names: c.*4823G>A (NM_001291939.1, NM_001291940.2).
Identifiers: ClinVar variation 296676 (VCV000296676.5), dbSNP rs74322958, ClinGen allele CA10610690.
Genomic context (GRCh38, chr1:236,902,467, plus strand): 5'-CTCTGTTAGACTTAACATTCCCTAAGGGCAGGTTTGGAACCTTACTCATCTTTATATGGC[G>A]TCTAAAATAGTGCTTGCTTTATGATAGGTGCTCAGTAAAGGTTGTCTTGAATTGAGCAGA-3'

ClinVar aggregate classification (germline): Likely benign (1 of 4 stars; one submission).

Conditions:
Disorders of Intracellular Cobalamin Metabolism. Identifiers: MedGen CN043592.

Allele frequency attached by ClinVar (database versions not stated): 1000 Genomes Project 0.00220; 1000 Genomes Project 30x 0.00234; gnomAD 0.00242; TOPMed 0.00254.

Submission:

Illumina Laboratory Services, Illumina
Classification: Likely benign for Disorders of Intracellular Cobalamin Metabolism. Last evaluated: 2018-01-13. Review status: criteria provided, single submitter. Criteria: ICSL Variant Classification Criteria 13 December 2019. Collection method: clinical testing. Allele origin: germline.
Comment: This variant was observed in the ICSL laboratory as part of a predisposition screen in an ostensibly healthy population. It had not been previously curated by ICSL or reported in the Human Gene Mutation Database (HGMD: prior to June 1st, 2018), and was therefore a candidate for classification through an automated scoring system. Utilizing variant allele frequency, disease prevalence and penetrance estimates, and inheritance mode, an automated score was calculated to assess if this variant is too frequent to cause the disease. Based on the score and internal cut-off values, a variant classified as likely benign is not then subjected to further curation. The score for this variant resulted in a classification of likely benign for this disease.